The following is an entry in ClinVar:

ClinVar aggregate classification (germline): Uncertain significance (1 of 4 stars; one submission).

Conditions:
Autosomal dominant childhood-onset proximal spinal muscular atrophy with contractures (SMALED2A). Also called: SPINAL MUSCULAR ATROPHY, LOWER EXTREMITY-PREDOMINANT, 2A, CHILDHOOD ONSET, AUTOSOMAL DOMINANT; Spinal muscular atrophy, lower extremity-predominant, 2A, autosomal dominant. Identifiers: Orphanet 363447, Orphanet 363454, MedGen C4747715, MONDO:0014121, OMIM 615290.

Submission:

Labcorp Genetics (formerly Invitae), Labcorp
Classification: Uncertain significance for Autosomal dominant childhood-onset proximal spinal muscular atrophy with contractures. Last evaluated: 2022-03-23. Review status: criteria provided, single submitter. Criteria: Invitae Variant Classification Sherloc (09022015). Collection method: clinical testing. Allele origin: germline.
Comment: In summary, the available evidence is currently insufficient to determine the role of this variant in disease. Therefore, it has been classified as a Variant of Uncertain Significance. Algorithms developed to predict the effect of missense changes on protein structure and function are either unavailable or do not agree on the potential impact of this missense change (SIFT: "Not Available"; PolyPhen-2: "Benign"; Align-GVGD: "Not Available"). This variant has not been reported in the literature in individuals affected with BICD2-related conditions. Information on the frequency of this variant in the gnomAD database is not available, as this variant may be reported differently in the database. This sequence change replaces threonine, which is neutral and polar, with isoleucine, which is neutral and non-polar, at codon 123 of the BICD2 protein (p.Thr123Ile).

NM_001003800.2(BICD2):c.368_369delinsTT (p.Thr123Ile)

Gene: BICD2 (BICD cargo adaptor 2; minus strand). Cytogenetic location: 9q22.31.
Variant type: Indel.
Coding change: c.368_369delinsTT on transcript NM_001003800.2 (MANE Select); coding-DNA positions 368 to 369, CG replaced by TT.
Protein change: p.Thr123Ile; replaces threonine 123 with isoleucine.
Molecular consequence: missense variant.
Genome position (GRCh38, 1-based): chr9:92,729,108-92,729,109, CG replaced by AA on the plus strand (CG replaced by TT on the coding strand, the reverse complement: BICD2 is on the minus strand). VCF-style: chr9-92729108-CG-AA. GRCh37 (hg19) VCF-style: chr9-95491390-CG-AA.
Other names: c.368_369delinsTT, p.Thr123Ile (NM_015250.4); short protein forms T123I.
Identifiers: ClinVar variation 2113888 (VCV002113888.4), dbSNP rs2490476025, ClinGen allele CA2580080663.